The following is an entry in ClinVar:

ClinVar aggregate classification (germline): Likely pathogenic. Review status: criteria provided, single submitter (1 of 4 stars). 2 submissions from 2 submitters: Likely pathogenic (1). 1 of the submissions does not count toward it. Last evaluated 2026-01-05.

Conditions:
Amelocerebrohypohidrotic syndrome (KTZS). Also called: EPILEPSY AND YELLOW TEETH; EPILEPSY, DEMENTIA, AND AMELOGENESIS IMPERFECTA; KOHLSCHUTTER SYNDROME; Kohlschutter's syndrome. Identifiers: Orphanet 1946, MedGen C0406740, MONDO:0009185, OMIM 226750.

Submissions (2):

Labcorp Genetics (formerly Invitae), Labcorp
Classification: Likely pathogenic for Amelocerebrohypohidrotic syndrome. Last evaluated: 2026-01-05. Review status: criteria provided, single submitter. Criteria: Invitae Variant Classification Sherloc (09022015). Collection method: clinical testing. Allele origin: germline.
Comment: This sequence change falls in intron 1 of the ROGDI gene. It does not directly change the encoded amino acid sequence of the ROGDI protein. RNA analysis indicates that this variant induces altered splicing and may result in an absent or altered protein product. This variant is present in population databases (rs772340154, gnomAD 0.02%). This variant has been observed in individual(s) with Kohlschutter–Tonz syndrome (PMID: 23086778). In at least one individual the data is consistent with being in trans (on the opposite chromosome) from a pathogenic variant. ClinVar contains an entry for this variant (Variation ID: 41467). Studies have shown that this variant results in disrupted mRNA splicing, and produces a non-functional protein and/or introduces a premature termination codon (PMID: 23086778). In summary, the currently available evidence indicates that the variant is pathogenic, but additional data are needed to prove that conclusively. Therefore, this variant has been classified as Likely Pathogenic.

OMIM
Classification: Pathogenic for KOHLSCHUTTER-TONZ SYNDROME. Last evaluated: 2013-02-01. Review status: no assertion criteria provided. Collection method: literature only. Allele origin: germline. Not counted in ClinVar's aggregate classification.

Literature cited by the submitters: PubMed 23086778 (cited by Labcorp Genetics (formerly Invitae), Labcorp and OMIM); PubMed 8133980 (cited by OMIM).

NM_024589.3(ROGDI):c.45+9_45+20del

Gene: ROGDI (rogdi atypical leucine zipper; minus strand). Cytogenetic location: 16p13.3.
Variant type: Deletion.
Coding change: c.45+9_45+20del on transcript NM_024589.3 (MANE Select); bases 9 to 20 of the intron after coding-DNA position 45, 12 bases deleted (CGCGGGCCAGCG).
Molecular consequence: intron variant.
Genome position (GRCh38, 1-based): chr16:4,802,507-4,802,518, CGCTGGCCCGCG deleted on the plus strand (CGCGGGCCAGCG on the coding strand, the reverse complement: ROGDI is on the minus strand); deleting any 12 consecutive bases within chr16:4,802,507-4,802,521 gives the same sequence; the c. name uses the placement nearest the transcript's 3' end. VCF-style (leftmost placement, unchanged base first): chr16-4802506-CCGCTGGCCCGCG-C. GRCh37 (hg19) VCF-style: chr16-4852507-CCGCTGGCCCGCG-C.
Other names: c.45+9_45+20delCGCGGGCCAGCG (NM_024589.2).
Identifiers: ClinVar variation 41467 (VCV000041467.12), dbSNP rs772340154, ClinGen allele CA130854.